The following is an entry in ClinVar:

NM_144772.3(NAXE):c.487A>G (p.Ile163Val)

Gene: NAXE (NAD(P)HX epimerase; plus strand). Cytogenetic location: 1q22.
Variant type: single nucleotide variant.
Coding change: c.487A>G on transcript NM_144772.3 (MANE Select); coding-DNA position 487, A replaced by G.
Protein change: p.Ile163Val; replaces isoleucine 163 with valine.
Molecular consequence: missense variant.
Genome position (GRCh38, 1-based): chr1:156,592,641, A>G. VCF-style: chr1-156592641-A-G. GRCh37 (hg19) VCF-style: chr1-156562433-A-G.
Other names: short protein forms I163V.
Identifiers: ClinVar variation 1507682 (VCV001507682.4), dbSNP rs748577478, ClinGen allele CA1162787.

ClinVar aggregate classification (germline): Uncertain significance (1 of 4 stars; one submission).

Allele frequency attached by ClinVar (database versions not stated): ExAC 0.00001; gnomAD exomes 0.00001 and 0.00002; gnomAD 0.00004; TOPMed 0.00005.
gnomAD v4.1: 24 of 1,614,024 alleles (0.0015%); highest among the groups gnomAD compares: Admixed American, 0.005%; no homozygotes.

Submission:

Labcorp Genetics (formerly Invitae), Labcorp
Classification: Uncertain significance. Last evaluated: 2023-08-04. Review status: criteria provided, single submitter. Criteria: Invitae Variant Classification Sherloc (09022015). Collection method: clinical testing. Allele origin: germline.
Comment: This sequence change replaces isoleucine, which is neutral and non-polar, with valine, which is neutral and non-polar, at codon 163 of the NAXE protein (p.Ile163Val). This variant is present in population databases (rs748577478, gnomAD 0.003%). This variant has not been reported in the literature in individuals affected with NAXE-related conditions. ClinVar contains an entry for this variant (Variation ID: 1507682). Advanced modeling of protein sequence and biophysical properties (such as structural, functional, and spatial information, amino acid conservation, physicochemical variation, residue mobility, and thermodynamic stability) performed at Invitae indicates that this missense variant is not expected to disrupt NAXE protein function. In summary, the available evidence is currently insufficient to determine the role of this variant in disease. Therefore, it has been classified as a Variant of Uncertain Significance.